The following is an entry in ClinVar:

ClinVar aggregate classification (germline): Conflicting classifications of pathogenicity. Review status: criteria provided, conflicting classifications (1 of 4 stars). 2 submissions from 2 submitters: Uncertain significance (1); Likely benign (1). Last evaluated 2023-03-23.

Conditions:
Hereditary cancer-predisposing syndrome. Also called: Neoplastic Syndromes, Hereditary; Hereditary Cancer Syndrome; Hereditary neoplastic syndrome; Tumor predisposition. Identifiers: Orphanet 140162, MedGen C0027672, MeSH D009386, MONDO:0015356.
Hereditary breast ovarian cancer syndrome. Also called: Hereditary breast and ovarian cancer syndrome; Hereditary breast and/or ovarian cancer syndrome; BRCA1- and BRCA2-Associated Hereditary Breast and Ovarian Cancer; Hereditary breast and ovarian cancer syndrome (HBOC); Hereditary breast and ovarian cancer; Breast and ovarian cancer. Identifiers: Orphanet 145, MedGen C0677776, MeSH D061325, MONDO:0003582. Disease mechanism: loss of function.

Submissions (2):

University of Washington Department of Laboratory Medicine, University of Washington
Classification: Likely benign for Hereditary cancer-predisposing syndrome. Last evaluated: 2023-03-23. Review status: criteria provided, single submitter. Criteria: Dines et al. (Genet Med. 2020). Collection method: curation. Allele origin: germline.
Comment: Missense variant in a coldspot region where missense variants are very unlikely to be pathogenic (PMID:31911673).

BRCA2 exon 11 coldspot. Reclassification based on statistical prior probability.

Labcorp Genetics (formerly Invitae), Labcorp
Classification: Uncertain significance for Hereditary breast ovarian cancer syndrome. Last evaluated: 2021-12-13. Review status: criteria provided, single submitter. Criteria: Invitae Variant Classification Sherloc (09022015). Collection method: clinical testing. Allele origin: germline.
Comment: In summary, the available evidence is currently insufficient to determine the role of this variant in disease. Therefore, it has been classified as a Variant of Uncertain Significance. Advanced modeling of protein sequence and biophysical properties (such as structural, functional, and spatial information, amino acid conservation, physicochemical variation, residue mobility, and thermodynamic stability) performed at Invitae indicates that this missense variant is not expected to disrupt BRCA2 protein function. This variant has not been reported in the literature in individuals affected with BRCA2-related conditions. This variant is not present in population databases (gnomAD no frequency). This sequence change replaces aspartic acid, which is acidic and polar, with glycine, which is neutral and non-polar, at codon 685 of the BRCA2 protein (p.Asp685Gly).

NM_000059.4(BRCA2):c.2054A>G (p.Asp685Gly)

Gene: BRCA2 (BRCA2 DNA repair associated; plus strand). Cytogenetic location: 13q13.1.
Variant type: single nucleotide variant.
Coding change: c.2054A>G on transcript NM_000059.4 (MANE Select); coding-DNA position 2054, A replaced by G.
Protein change: p.Asp685Gly; replaces aspartic acid 685 with glycine.
Molecular consequence: missense variant.
Genome position (GRCh38, 1-based): chr13:32,336,409, A>G. VCF-style: chr13-32336409-A-G. GRCh37 (hg19) VCF-style: chr13-32910546-A-G.
Other names: c.2054A>G, p.Asp685Gly (NM_001406719.1, NM_001406720.1); short protein forms D685G.
Identifiers: ClinVar variation 2041927 (VCV002041927.6), dbSNP rs1555282420, ClinGen allele CA387768986.